The following is an entry in ClinVar:

NM_001184.4(ATR):c.1611_1617del (p.Leu537fs)

Gene: ATR (ATR checkpoint kinase; minus strand). Cytogenetic location: 3q23.
Variant type: Deletion.
Coding change: c.1611_1617del on transcript NM_001184.4 (MANE Select); coding-DNA positions 1611 to 1617, 7 bases deleted (GGATTTT; older notation c.1611_1617delGGATTTT).
Protein change: p.Leu537fs; shifts the reading frame from leucine 537.
Molecular consequence: frameshift variant.
Genome position (GRCh38, 1-based): chr3:142,559,366-142,559,372, AAAATCC deleted on the plus strand (GGATTTT on the coding strand, the reverse complement: ATR is on the minus strand); deleting any 7 consecutive bases within chr3:142,559,366-142,559,374 gives the same sequence; the c. name uses the placement nearest the transcript's 3' end. VCF-style (leftmost placement, unchanged base first): chr3-142559365-AAAAATCC-A. GRCh37 (hg19) VCF-style: chr3-142278207-AAAAATCC-A.
Other names: c.1419_1425del, p.Leu473fs (NM_001354579.2); short protein forms L537fs, L473fs.
Identifiers: ClinVar variation 4723814 (VCV004723814.1).

ClinVar aggregate classification (germline): Pathogenic (1 of 4 stars; one submission).

Submission:

Labcorp Genetics (formerly Invitae), Labcorp
Classification: Pathogenic. Last evaluated: 2025-08-10. Review status: criteria provided, single submitter. Criteria: Invitae Variant Classification Sherloc (09022015). Collection method: clinical testing. Allele origin: germline.
Comment: This sequence change creates a premature translational stop signal (p.Leu537Phefs*13) in the ATR gene. It is expected to result in an absent or disrupted protein product. Loss-of-function variants in ATR are known to be pathogenic (PMID: 21228398, 23144622). This variant is not present in population databases (gnomAD no frequency). This variant has not been reported in the literature in individuals affected with ATR-related conditions. For these reasons, this variant has been classified as Pathogenic.

Literature cited by the submitters: PubMed 21228398; PubMed 23144622.